The following is an entry in ClinVar:

NM_001267550.2(TTN):c.101962C>T (p.Gln33988Ter)

Genes: TTN-AS1 (TTN antisense RNA 1; plus strand), TTN (titin; minus strand). Cytogenetic location: 2q31.2.
Variant type: single nucleotide variant.
Coding change: c.101962C>T on transcript NM_001267550.2 (MANE Select); coding-DNA position 101962, C replaced by T.
Protein change: p.Gln33988Ter; replaces glutamine 33988 with a stop codon.
Molecular consequence: nonsense.
Genome position (GRCh38, 1-based): chr2:178,534,653, G>A on the plus strand (C>T on the coding strand, the complement: TTN is on the minus strand). VCF-style: chr2-178534653-G-A. GRCh37 (hg19) VCF-style: chr2-179399380-G-A.
Other names: c.97039C>T, p.Gln32347Ter (NM_001256850.1); c.74767C>T, p.Gln24923Ter (NM_003319.4); c.94258C>T, p.Gln31420Ter (NM_133378.4); c.75142C>T, p.Gln25048Ter (NM_133432.3); c.75343C>T, p.Gln25115Ter (NM_133437.4); short protein forms Q24923*, Q25048*, Q25115*, Q31420*, Q32347*, Q33988*.
Identifiers: ClinVar variation 3752449 (VCV003752449.2).

ClinVar aggregate classification (germline): Likely pathogenic (1 of 4 stars; one submission).

Conditions:
Autosomal recessive limb-girdle muscular dystrophy type 2J (LGMDR10). Also called: Limb-girdle muscular dystrophy, type 2J; MUSCULAR DYSTROPHY, LIMB-GIRDLE, AUTOSOMAL RECESSIVE 10. Identifiers: Orphanet 140922, MedGen C1837342, MONDO:0012127, OMIM 608807.
Dilated cardiomyopathy 1G (CMD1G). Identifiers: Orphanet 154, MedGen C1858763, MONDO:0011400, OMIM 604145.

Submission:

Labcorp Genetics (formerly Invitae), Labcorp
Classification: Likely pathogenic for Dilated cardiomyopathy 1G; Autosomal recessive limb-girdle muscular dystrophy type 2J. Last evaluated: 2025-01-29. Review status: criteria provided, single submitter. Criteria: Invitae Variant Classification Sherloc (09022015). Collection method: clinical testing. Allele origin: germline.
Comment: This sequence change creates a premature translational stop signal (p.Gln33988*) in the TTN gene. While this is not anticipated to result in nonsense mediated decay, it is expected to create a truncated TTN protein. This variant is not present in population databases (gnomAD no frequency). This variant has not been reported in the literature in individuals affected with TTN-related conditions. This variant is located in the M band of TTN (PMID: 25589632). Truncating variants in this region have been previously reported in individuals affected with autosomal dominant or autosomal recessive myopathy and muscular dystrophy (PMID: 18948003, 23975875, 24395473). Truncating variants in this region have also been identified in individuals affected with autosomal dominant dilated cardiomyopathy and/or cardio-related conditions (PMID: 27869827, 32964742, internal data). In summary, the currently available evidence indicates that the variant is pathogenic, but additional data are needed to prove that conclusively. Therefore, this variant has been classified as Likely Pathogenic.

Literature cited by the submitters: PubMed 25589632; PubMed 18948003; PubMed 23975875; PubMed 24395473; PubMed 27869827; PubMed 32964742.